The following is an entry in ClinVar:

NM_012082.4(ZFPM2):c.2096A>G (p.His699Arg)

Genes: ZFPM2 (zinc finger protein, FOG family member 2; plus strand), ZFPM2-AS1 (ZFPM2 antisense RNA 1; minus strand). Cytogenetic location: 8q23.1.
Variant type: single nucleotide variant.
Coding change: c.2096A>G on transcript NM_012082.4 (MANE Select); coding-DNA position 2096, A replaced by G.
Protein change: p.His699Arg; replaces histidine 699 with arginine.
Molecular consequence: missense variant.
Genome position (GRCh38, 1-based): chr8:105,802,178, A>G. VCF-style: chr8-105802178-A-G. GRCh37 (hg19) VCF-style: chr8-106814406-A-G.
Other names: c.1937A>G, p.His646Arg (NM_001362836.2); c.1700A>G, p.His567Arg (NM_001362837.2); short protein forms H567R, H646R, H699R.
Identifiers: ClinVar variation 4635028 (VCV004635028.2).
Genomic context (GRCh38, chr8:105,802,178, plus strand): 5'-ATGGGGAAAGTGACCCAAATAAGACTACCTGTGAAGCTTGCAACATTACCTTCAGCCGGC[A>G]CGAAACATACATGGTCCACAAACAGTATTACTGTGCTACACGCCACGACCCTCCACTGAA-3'
Protein context (NP_036214.2, residues 689-709): CEACNITFSR[His699Arg]ETYMVHKQYY

ClinVar aggregate classification (germline): Uncertain significance. Review status: criteria provided, multiple submitters, no conflicts (2 of 4 stars). 2 submissions from 2 submitters: Uncertain significance (2). Last evaluated 2026-08-01.

Conditions:
Inborn genetic diseases. Identifiers: MedGen C0950123, MeSH D030342.

gnomAD v4.1: 12 of 1,613,842 alleles (0.00074%); highest among the groups gnomAD compares: African/African-American, 0.016%; no homozygotes.

Submissions (2):

CeGaT Center for Human Genetics Tuebingen
Classification: Uncertain significance. Last evaluated: 2026-08-01. Review status: criteria provided, single submitter. Criteria: CeGaT Center For Human Genetics Tuebingen Variant Classification Criteria Version 2. Collection method: clinical testing. Allele origin: germline. Affected: yes. Observed: 1 variant allele.
Comment: ZFPM2: PM2

Ambry Genetics
Classification: Uncertain significance for Inborn genetic diseases. Last evaluated: 2025-12-02. Review status: criteria provided, single submitter. Criteria: Ambry Variant Classification Scheme 2023. Collection method: clinical testing. Allele origin: germline.